The following is an entry in ClinVar:

NM_001005498.4(RHBDF2):c.1509C>T (p.Pro503=)

Gene: RHBDF2 (rhomboid 5 homolog 2; minus strand). Cytogenetic location: 17q25.1.
Variant type: single nucleotide variant.
Coding change: c.1509C>T on transcript NM_001005498.4 (MANE Select); coding-DNA position 1509, C replaced by T.
Protein change: p.Pro503=; no amino-acid change (proline 503 retained).
Molecular consequence: synonymous variant. On other transcripts: non-coding transcript variant (3).
Genome position (GRCh38, 1-based): chr17:76,474,098, G>A on the plus strand (C>T on the coding strand, the complement: RHBDF2 is on the minus strand). VCF-style: chr17-76474098-G-A. GRCh37 (hg19) VCF-style: chr17-74470180-G-A.
Other names: c.1509C>T, p.Pro503= (NM_001376228.1, NM_001376229.1, NM_001376230.1); c.1596C>T, p.Pro532= (NM_024599.5).
Identifiers: ClinVar variation 734961 (VCV000734961.14), dbSNP rs758642827, ClinGen allele CA8786966.

ClinVar aggregate classification (germline): Likely benign. Review status: criteria provided, multiple submitters, no conflicts (2 of 4 stars). 3 submissions from 3 submitters: Likely benign (2). 1 of the submissions does not count toward it. Last evaluated 2025-09-01.

Conditions:
RHBDF2-related disorder. Also called: RHBDF2-related condition.

Allele frequency attached by ClinVar (database versions not stated): gnomAD exomes 0.00015 and 0.00003; gnomAD 0.00003; TOPMed 0.00006; ExAC 0.00014.
gnomAD v4.1: 52 of 1,607,146 alleles (0.0032%); highest among the groups gnomAD compares: Admixed American, 0.086%; no homozygotes.

Submissions (3):

CeGaT Center for Human Genetics Tuebingen
Classification: Likely benign. Last evaluated: 2025-09-01. Review status: criteria provided, single submitter. Criteria: CeGaT Center For Human Genetics Tuebingen Variant Classification Criteria Version 2. Collection method: clinical testing. Allele origin: germline. Affected: yes. Observed: 1 variant allele.
Comment: RHBDF2: BP4, BP7

Labcorp Genetics (formerly Invitae), Labcorp
Classification: Likely benign. Last evaluated: 2025-07-08. Review status: criteria provided, single submitter. Criteria: Invitae Variant Classification Sherloc (09022015). Collection method: clinical testing. Allele origin: germline.

PreventionGenetics, part of Exact Sciences
Classification: Likely benign for RHBDF2-related condition. Last evaluated: 2019-12-18. Review status: no assertion criteria provided. Collection method: clinical testing. Allele origin: germline. Not counted in ClinVar's aggregate classification.
Comment: This variant is classified as likely benign based on ACMG/AMP sequence variant interpretation guidelines (Richards et al. 2015 PMID: 25741868, with internal and published modifications).